The following is an entry in ClinVar:

NM_006364.4(SEC23A):c.1495A>G (p.Ile499Val)

Gene: SEC23A (SEC23 homolog A, COPII component; minus strand). Cytogenetic location: 14q21.1.
Variant type: single nucleotide variant.
Coding change: c.1495A>G on transcript NM_006364.4 (MANE Select); coding-DNA position 1495, A replaced by G.
Protein change: p.Ile499Val; replaces isoleucine 499 with valine.
Molecular consequence: missense variant.
Genome position (GRCh38, 1-based): chr14:39,061,775, T>C on the plus strand (A>G on the coding strand, the complement: SEC23A is on the minus strand). VCF-style: chr14-39061775-T-C. GRCh37 (hg19) VCF-style: chr14-39530979-T-C.
Other names: short protein forms I499V.
Identifiers: ClinVar variation 1388311 (VCV001388311.6), dbSNP rs767175510, ClinGen allele CA7161825.

ClinVar aggregate classification (germline): Uncertain significance (1 of 4 stars; one submission).

Conditions:
Craniolenticulosutural dysplasia (CLSD). Also called: BOYADJIEV-JABS SYNDROME. Identifiers: Orphanet 50814, MedGen C1843042, MONDO:0011911, OMIM 607812.

Allele frequency attached by ClinVar (database versions not stated): gnomAD exomes below 0.00001; ExAC 0.00001; gnomAD 0.00001.
gnomAD v4.1: 2 of 1,607,870 alleles (0.00012%); highest among the groups gnomAD compares: Non-Finnish European, 0.00017%; no homozygotes.

Submission:

Labcorp Genetics (formerly Invitae), Labcorp
Classification: Uncertain significance for Craniolenticulosutural dysplasia. Last evaluated: 2021-04-16. Review status: criteria provided, single submitter. Criteria: Invitae Variant Classification Sherloc (09022015). Collection method: clinical testing. Allele origin: germline.
Comment: In summary, the available evidence is currently insufficient to determine the role of this variant in disease. Therefore, it has been classified as a Variant of Uncertain Significance. Algorithms developed to predict the effect of missense changes on protein structure and function output the following: SIFT: "Not Available"; PolyPhen-2: "Benign"; Align-GVGD: "Not Available". The valine amino acid residue is found in multiple mammalian species, suggesting that this missense change does not adversely affect protein function. These predictions have not been confirmed by published functional studies and their clinical significance is uncertain. This variant has not been reported in the literature in individuals with SEC23A-related conditions. This variant is present in population databases (rs767175510, ExAC 0.001%). This sequence change replaces isoleucine with valine at codon 499 of the SEC23A protein (p.Ile499Val). The isoleucine residue is moderately conserved and there is a small physicochemical difference between isoleucine and valine.